The following is an entry in ClinVar:

NM_005802.5(TOPORS):c.826G>A (p.Gly276Ser)

Gene: TOPORS (TOP1 binding arginine/serine rich protein, E3 ubiquitin ligase; minus strand). Cytogenetic location: 9p21.1.
Variant type: single nucleotide variant.
Coding change: c.826G>A on transcript NM_005802.5 (MANE Select); coding-DNA position 826, G replaced by A.
Protein change: p.Gly276Ser; replaces glycine 276 with serine.
Molecular consequence: missense variant.
Genome position (GRCh38, 1-based): chr9:32,543,699, C>T on the plus strand (G>A on the coding strand, the complement: TOPORS is on the minus strand). VCF-style: chr9-32543699-C-T. GRCh37 (hg19) VCF-style: chr9-32543697-C-T.
Other names: c.631G>A, p.Gly211Ser (NM_001195622.2); short protein forms G211S, G276S.
Identifiers: ClinVar variation 999404 (VCV000999404.10), dbSNP rs182775493, ClinGen allele CA5020596.
Genomic context (GRCh38, chr9:32,543,699, plus strand): 5'-ATCTGTGAAGGCAAGCTGGATTTCTACGGAAAAATTCAGCTGAAATATCCCTGTAGCGGC[C>T]ACCATCTTCAATATTTCTAACTCGAGCACCAGCACGATAAAGAGTTCGTCTAAAATTAAT-3'
Protein context (NP_005793.2, residues 266-286): GARVRNIEDG[Gly276Ser]RYRDISAEFF

ClinVar aggregate classification (germline): Uncertain significance (1 of 4 stars; one submission).

Allele frequency attached by ClinVar (database versions not stated): TOPMed below 0.00001; ExAC 0.00001; gnomAD 0.00001; gnomAD exomes 0.00001; 1000 Genomes Project 30x 0.00016; 1000 Genomes Project 0.00020.
gnomAD v4.1: 11 of 1,612,998 alleles (0.00068%); highest among the groups gnomAD compares: Non-Finnish European, 0.00093%; no homozygotes.

Submission:

Labcorp Genetics (formerly Invitae), Labcorp
Classification: Uncertain significance. Last evaluated: 2022-02-24. Review status: criteria provided, single submitter. Criteria: Invitae Variant Classification Sherloc (09022015). Collection method: clinical testing. Allele origin: germline.
Comment: Algorithms developed to predict the effect of missense changes on protein structure and function are either unavailable or do not agree on the potential impact of this missense change (SIFT: "Deleterious"; PolyPhen-2: "Probably Damaging"; Align-GVGD: "Class C0"). In summary, the available evidence is currently insufficient to determine the role of this variant in disease. Therefore, it has been classified as a Variant of Uncertain Significance. ClinVar contains an entry for this variant (Variation ID: 999404). This variant has not been reported in the literature in individuals affected with TOPORS-related conditions. This variant is present in population databases (rs182775493, gnomAD 0.0009%). This sequence change replaces glycine, which is neutral and non-polar, with serine, which is neutral and polar, at codon 276 of the TOPORS protein (p.Gly276Ser).